The following is an entry in ClinVar:

ClinVar aggregate classification (germline): Conflicting classifications of pathogenicity. Review status: criteria provided, conflicting classifications (1 of 4 stars). 3 submissions from 3 submitters: Uncertain significance (2); Likely benign (1). Last evaluated 2024-12-09.

Conditions:
Legius syndrome. Identifiers: Orphanet 137605, MedGen C1969623, MONDO:0012669, OMIM 611431. Disease mechanism: loss of function.
Cardiovascular phenotype. Identifiers: MedGen CN230736.

Allele frequency attached by ClinVar (database versions not stated): ExAC 0.00001; gnomAD 0.00003.
gnomAD v4.1: 10 of 1,611,322 alleles (0.00062%); highest among the groups gnomAD compares: Admixed American, 0.015%; no homozygotes.

Submissions (3):

Ambry Genetics
Classification: Likely benign for Cardiovascular phenotype. Last evaluated: 2024-12-09. Review status: criteria provided, single submitter. Criteria: Ambry Variant Classification Scheme 2023. Collection method: clinical testing. Allele origin: germline.

Labcorp Genetics (formerly Invitae), Labcorp
Classification: Uncertain significance for Legius syndrome. Last evaluated: 2024-07-30. Review status: criteria provided, single submitter. Criteria: Invitae Variant Classification Sherloc (09022015). Collection method: clinical testing. Allele origin: germline.
Comment: This sequence change replaces alanine, which is neutral and non-polar, with glycine, which is neutral and non-polar, at codon 134 of the SPRED1 protein (p.Ala134Gly). This variant is present in population databases (rs762633609, gnomAD 0.01%). This variant has not been reported in the literature in individuals affected with SPRED1-related conditions. ClinVar contains an entry for this variant (Variation ID: 655356). Advanced modeling performed at Invitae incorporating data from internal and/or published experimental studies (Invitae) indicates that this missense variant is not expected to disrupt SPRED1 function with a negative predictive value of 95%. In summary, the available evidence is currently insufficient to determine the role of this variant in disease. Therefore, it has been classified as a Variant of Uncertain Significance.

Fulgent Genetics
Classification: Uncertain significance for Legius syndrome. Last evaluated: 2024-03-09. Review status: criteria provided, single submitter. Criteria: ACMG Guidelines, 2015. Collection method: clinical testing. Allele origin: germline.

NM_152594.3(SPRED1):c.401C>G (p.Ala134Gly)

Gene: SPRED1 (sprouty related EVH1 domain containing 1; plus strand). Cytogenetic location: 15q14.
Variant type: single nucleotide variant.
Coding change: c.401C>G on transcript NM_152594.3 (MANE Select); coding-DNA position 401, C replaced by G.
Protein change: p.Ala134Gly; replaces alanine 134 with glycine.
Molecular consequence: missense variant.
Genome position (GRCh38, 1-based): chr15:38,324,787, C>G. VCF-style: chr15-38324787-C-G. GRCh37 (hg19) VCF-style: chr15-38616988-C-G.
Other names: short protein forms A134G.
Identifiers: ClinVar variation 655356 (VCV000655356.10), dbSNP rs762633609, ClinGen allele CA7470067.